The following is an entry in ClinVar:

NM_001164586.2(IGFN1):c.6588C>T (p.Phe2196=)

Gene: IGFN1 (immunoglobulin like and fibronectin type III domain containing 1; plus strand). Cytogenetic location: 1q32.1.
Variant type: single nucleotide variant.
Coding change: c.6588C>T on transcript NM_001164586.2 (MANE Select); coding-DNA position 6588, C replaced by T.
Protein change: p.Phe2196=; no amino-acid change (phenylalanine 2196 retained).
Molecular consequence: synonymous variant. On other transcripts: intron variant (1).
Genome position (GRCh38, 1-based): chr1:201,211,481, C>T. VCF-style: chr1-201211481-C-T. GRCh37 (hg19) VCF-style: chr1-201180609-C-T.
Other names: c.1242-2025C>T (NM_001367841.1).
Identifiers: ClinVar variation 2639765 (VCV002639765.24), dbSNP rs1208858767, ClinGen allele CA422819233.

ClinVar aggregate classification (germline): Likely benign (1 of 4 stars; one submission).

Submission:

CeGaT Center for Human Genetics Tuebingen
Classification: Likely benign. Last evaluated: 2023-02-01. Review status: criteria provided, single submitter. Criteria: CeGaT Center For Human Genetics Tuebingen Variant Classification Criteria Version 2. Collection method: clinical testing. Allele origin: germline. Affected: yes. Observed: 1 variant allele.
Comment: IGFN1: BP4, BP7